The following is an entry in ClinVar:

ClinVar aggregate classification (germline): Likely pathogenic. Review status: criteria provided, multiple submitters, no conflicts (2 of 4 stars). 3 submissions from 3 submitters: Likely pathogenic (3). Last evaluated 2023-06-30.

Conditions:
Fanconi anemia complementation group J. Also called: BRIP1-Related Fanconi Anemia. Identifiers: Orphanet 84, MedGen C1836860, MONDO:0012187, OMIM 609054.
Familial cancer of breast. Also called: hereditary breast carcinoma; Hereditary breast cancer; BREAST CANCER, FAMILIAL. Identifiers: Orphanet 227535, MedGen C0346153, MONDO:0016419, OMIM 114480. Disease mechanism: loss of function.
Hereditary cancer-predisposing syndrome. Also called: Neoplastic Syndromes, Hereditary; Hereditary neoplastic syndrome; Hereditary Cancer Syndrome; Tumor predisposition. Identifiers: Orphanet 140162, MedGen C0027672, MeSH D009386, MONDO:0015356.

Allele frequency attached by ClinVar (database versions not stated): gnomAD 0.00001.
gnomAD v4.1: 2 of 1,613,890 alleles (0.00012%); no homozygotes.

Submissions (3):

Ambry Genetics
Classification: Likely pathogenic for Hereditary cancer-predisposing syndrome. Last evaluated: 2023-06-30. Review status: criteria provided, single submitter. Criteria: Ambry Variant Classification Scheme 2023. Collection method: clinical testing. Allele origin: germline.
Comment: The c.1794+1G>C intronic variant results from a G to C substitution one nucleotide after coding exon 11 of the BRIP1 gene. This nucleotide position is highly conserved in available vertebrate species. In silico splice site analysis predicts that this alteration will weaken the native splice donor site; however, direct evidence is insufficient at this time (Ambry internal data). Alterations that disrupt the canonical splice site are expected to cause aberrant splicing, resulting in an abnormal protein or a transcript that is subject to nonsense-mediated mRNA decay. As such, this alteration is classified as likely pathogenic.

Myriad Genetics, Inc.
Classification: Likely pathogenic for Familial cancer of breast. Last evaluated: 2023-06-05. Review status: criteria provided, single submitter. Criteria: Myriad Autosomal Dominant, Autosomal Recessive and X-Linked Classification Criteria (2023). Collection method: clinical testing. Allele origin: unknown.
Comment: This variant is considered likely pathogenic. This variant occurs within a consensus splice junction and is predicted to result in abnormal mRNA splicing of either an out-of-frame exon or an in-frame exon necessary for protein stability and/or normal function.

Labcorp Genetics (formerly Invitae), Labcorp
Classification: Likely pathogenic for Hereditary Breast Carcinoma; Fanconi anemia, complementation group J. Last evaluated: 2018-09-06. Review status: criteria provided, single submitter. Criteria: Invitae Variant Classification Sherloc (09022015). Collection method: clinical testing. Allele origin: germline.
Comment: This sequence change affects a donor splice site in intron 12 of the BRIP1 gene. It is expected to disrupt RNA splicing and likely results in an absent or disrupted protein product. This variant is not present in population databases (ExAC no frequency). This variant has not been reported in the literature in individuals with BRIP1-related disease. Algorithms developed to predict the effect of sequence changes on RNA splicing suggest that this variant may disrupt the consensus splice site, but this prediction has not been confirmed by published transcriptional studies. Donor and acceptor splice site variants typically lead to a loss of protein function (PMID: 16199547), and loss-of-function variants in BRIP1 are known to be pathogenic (PMID: 16116423, 17033622, 21964575). In summary, the currently available evidence indicates that the variant is pathogenic, but additional data are needed to prove that conclusively. Therefore, this variant has been classified as Likely Pathogenic.

Literature cited by the submitters: PubMed 16116423 (cited by Labcorp Genetics (formerly Invitae), Labcorp); PubMed 17033622 (cited by Labcorp Genetics (formerly Invitae), Labcorp); PubMed 21964575 (cited by Labcorp Genetics (formerly Invitae), Labcorp).

NM_032043.3(BRIP1):c.1794+1G>C

Gene: BRIP1 (BRCA1 interacting DNA helicase 1; minus strand). Cytogenetic location: 17q23.2.
Variant type: single nucleotide variant.
Coding change: c.1794+1G>C on transcript NM_032043.3 (MANE Select); the canonical splice donor site of the intron after coding-DNA position 1794, G replaced by C.
Molecular consequence: splice donor variant.
Genome position (GRCh38, 1-based): chr17:61,780,839, C>G on the plus strand (G>C on the coding strand, the complement: BRIP1 is on the minus strand). VCF-style: chr17-61780839-C-G. GRCh37 (hg19) VCF-style: chr17-59858200-C-G.
Identifiers: ClinVar variation 659128 (VCV000659128.5), dbSNP rs766516963, ClinGen allele CA400480243.